The following is an entry in ClinVar:

ClinVar aggregate classification (germline): Uncertain significance. Review status: criteria provided, multiple submitters, no conflicts (2 of 4 stars). 2 submissions from 2 submitters: Uncertain significance (2). Last evaluated 2026-07-08.

Conditions:
NTRK2-related disorder. Also called: NTRK2-related condition.

Allele frequency attached by ClinVar (database versions not stated): gnomAD exomes below 0.00001; TOPMed 0.00001.
gnomAD v4.1: 5 of 1,613,972 alleles (0.00031%); highest among the groups gnomAD compares: Middle Eastern, 0.017%; no homozygotes.

Submissions (2):

PreventionGenetics, part of Exact Sciences
Classification: Uncertain significance for NTRK2-related condition. Last evaluated: 2026-07-08. Review status: criteria provided, single submitter. Criteria: ACMG Guidelines, 2015. Collection method: clinical testing. Allele origin: germline.
Comment: The NTRK2 c.220G>A variant is predicted to result in the amino acid substitution p.Ala74Thr. This variant was reported in an individual with severe early-onset obesity and developmental delay; however, no functional or co-segregation studies were performed for this variant (Yeo et al. 2004. PubMed ID: 15494731). This variant is reported in 0.00088% of alleles in individuals of European (Non-Finnish) descent in gnomAD. At this time, the clinical significance of this variant is uncertain due to the absence of conclusive functional and genetic evidence.

Labcorp Genetics (formerly Invitae), Labcorp
Classification: Uncertain significance. Last evaluated: 2022-08-01. Review status: criteria provided, single submitter. Criteria: Invitae Variant Classification Sherloc (09022015). Collection method: clinical testing. Allele origin: germline.
Comment: This sequence change replaces alanine, which is neutral and non-polar, with threonine, which is neutral and polar, at codon 74 of the NTRK2 protein (p.Ala74Thr). This variant is present in population databases (rs201490630, gnomAD 0.0009%). This missense change has been observed in individual(s) with severe early-onset obesity and developmental delay (PMID: 15494731). Advanced modeling of protein sequence and biophysical properties (such as structural, functional, and spatial information, amino acid conservation, physicochemical variation, residue mobility, and thermodynamic stability) performed at Invitae indicates that this missense variant is not expected to disrupt NTRK2 protein function. In summary, the available evidence is currently insufficient to determine the role of this variant in disease. Therefore, it has been classified as a Variant of Uncertain Significance.

Literature cited by the submitters: PubMed 15494731 (cited by Labcorp Genetics (formerly Invitae), Labcorp).

NM_006180.6(NTRK2):c.220G>A (p.Ala74Thr)

Genes: NTRK2 (neurotrophic receptor tyrosine kinase 2; plus strand), LOC130001952 (ATAC-STARR-seq lymphoblastoid active region 28508; plus strand). Cytogenetic location: 9q21.33.
Variant type: single nucleotide variant.
Coding change: c.220G>A on transcript NM_006180.6 (MANE Select); coding-DNA position 220, G replaced by A.
Protein change: p.Ala74Thr; replaces alanine 74 with threonine.
Molecular consequence: missense variant. On other transcripts: 5 prime UTR variant (4).
Genome position (GRCh38, 1-based): chr9:84,702,166, G>A. VCF-style: chr9-84702166-G-A. GRCh37 (hg19) VCF-style: chr9-87317081-G-A.
Other names: c.220G>A, p.Ala74Thr (NM_001369541.1, NM_001369542.1, NM_001369543.1 and 19 more transcripts); c.-249G>A (NM_001369550.1, NM_001369535.1, NM_001369536.1 and 1 more transcripts); c.220G>A (NM_006180.4); short protein forms A74T.
Identifiers: ClinVar variation 2419506 (VCV002419506.6), dbSNP rs201490630, ClinGen allele CA195742776.